The following is an entry in ClinVar:

ClinVar aggregate classification (germline): Uncertain significance (1 of 4 stars; one submission).

Conditions:
Frontotemporal dementia and/or amyotrophic lateral sclerosis 1 (FTDALS1). Also called: C9orf72 Frontotemporal Dementia and/or Amyotrophic Lateral Sclerosis; Frontotemporal dementia with motor neuron disease 1. Identifiers: Orphanet 275872, MedGen C5779877, MONDO:0007105, OMIM 105550.
Paget disease of bone 2, early-onset (PDB2). Also called: Paget disease of bone 2. Identifiers: MedGen C4085251, MONDO:0011183, OMIM 602080.

Submission:

Labcorp Genetics (formerly Invitae), Labcorp
Classification: Uncertain significance for Paget disease of bone 2, early-onset; Frontotemporal dementia and/or amyotrophic lateral sclerosis 1. Last evaluated: 2022-06-13. Review status: criteria provided, single submitter. Criteria: Invitae Variant Classification Sherloc (09022015). Collection method: clinical testing. Allele origin: germline.
Comment: Algorithms developed to predict the effect of missense changes on protein structure and function are either unavailable or do not agree on the potential impact of this missense change (SIFT: "Deleterious"; PolyPhen-2: "Benign"; Align-GVGD: "Class C0"). In summary, the available evidence is currently insufficient to determine the role of this variant in disease. Therefore, it has been classified as a Variant of Uncertain Significance. This variant has not been reported in the literature in individuals affected with SQSTM1-related conditions. This variant is not present in population databases (gnomAD no frequency). This sequence change replaces serine, which is neutral and polar, with phenylalanine, which is neutral and non-polar, at codon 370 of the SQSTM1 protein (p.Ser370Phe).

NM_003900.5(SQSTM1):c.1109C>T (p.Ser370Phe)

Gene: SQSTM1 (sequestosome 1; plus strand). Cytogenetic location: 5q35.3.
Variant type: single nucleotide variant.
Coding change: c.1109C>T on transcript NM_003900.5 (MANE Select); coding-DNA position 1109, C replaced by T.
Protein change: p.Ser370Phe; replaces serine 370 with phenylalanine.
Molecular consequence: missense variant.
Genome position (GRCh38, 1-based): chr5:179,833,726, C>T. VCF-style: chr5-179833726-C-T. GRCh37 (hg19) VCF-style: chr5-179260726-C-T.
Other names: c.857C>T, p.Ser286Phe (NM_001142298.2, NM_001142299.2); short protein forms S370F, S286F.
Identifiers: ClinVar variation 1497467 (VCV001497467.8), dbSNP rs2113512860, ClinGen allele CA362452931.